The following is an entry in ClinVar:

ClinVar aggregate classification (germline): Uncertain significance (1 of 4 stars; one submission).

Allele frequency attached by ClinVar (database versions not stated): gnomAD exomes below 0.00001; ExAC 0.00001.
gnomAD v4.1: 3 of 1,614,160 alleles (0.00019%); highest among the groups gnomAD compares: South Asian, 0.0033%; no homozygotes.

Submission:

Labcorp Genetics (formerly Invitae), Labcorp
Classification: Uncertain significance. Last evaluated: 2025-03-31. Review status: criteria provided, single submitter. Criteria: Invitae Variant Classification Sherloc (09022015). Collection method: clinical testing. Allele origin: germline.
Comment: This sequence change replaces aspartic acid, which is acidic and polar, with alanine, which is neutral and non-polar, at codon 827 of the IL6ST protein (p.Asp827Ala). This variant is present in population databases (rs760625439, gnomAD 0.003%). This variant has not been reported in the literature in individuals affected with IL6ST-related conditions. ClinVar contains an entry for this variant (Variation ID: 1901693). An algorithm developed to predict the effect of missense changes on protein structure and function (PolyPhen-2) suggests that this variant is likely to be tolerated. In summary, the available evidence is currently insufficient to determine the role of this variant in disease. Therefore, it has been classified as a Variant of Uncertain Significance.

NM_002184.4(IL6ST):c.2480A>C (p.Asp827Ala)

Gene: IL6ST (interleukin 6 cytokine family signal transducer; minus strand). Cytogenetic location: 5q11.2.
Variant type: single nucleotide variant.
Coding change: c.2480A>C on transcript NM_002184.4 (MANE Select); coding-DNA position 2480, A replaced by C.
Protein change: p.Asp827Ala; replaces aspartic acid 827 with alanine.
Molecular consequence: missense variant. On other transcripts: 3 prime UTR variant (1), non-coding transcript variant (2).
Genome position (GRCh38, 1-based): chr5:55,941,359, T>G on the plus strand (A>C on the coding strand, the complement: IL6ST is on the minus strand). VCF-style: chr5-55941359-T-G. GRCh37 (hg19) VCF-style: chr5-55237187-T-G.
Other names: c.2297A>C, p.Asp766Ala (NM_001190981.2); c.2378A>C, p.Asp793Ala (NM_001364275.2); c.2270A>C, p.Asp757Ala (NM_001364276.2); c.1613A>C, p.Asp538Ala (NM_001364277.2); c.1577A>C, p.Asp526Ala (NM_001364278.2); c.1484A>C, p.Asp495Ala (NM_001364279.2); c.*1407A>C (NM_175767.3); short protein forms D526A, D793A, D827A, D495A, D757A, D766A, D538A.
Identifiers: ClinVar variation 1901693 (VCV001901693.5), dbSNP rs760625439, ClinGen allele CA3271147.
Genomic context (GRCh38, chr5:55,941,359, plus strand): 5'-CTAACAAAATCTTCCTCATTGACTGATGAAACTTGCTTTGACCTTTCAAAATGTGAAATA[T>G]CTGGACTGGATTCATGCTGACTGCAGTTCTGTTTGAAGTACTGTTGCCTGGGCAAAATAC-3'
Protein context (NP_002175.2, residues 817-837): QNCSQHESSP[Asp827Ala]ISHFERSKQV